The following is an entry in ClinVar:

ClinVar aggregate classification (germline): Uncertain significance. Review status: criteria provided, multiple submitters, no conflicts (2 of 4 stars). 6 submissions from 6 submitters: Uncertain significance (5). 1 of the submissions does not count toward it. Last evaluated 2024-10-31.

Conditions:
Retinitis pigmentosa 66 (RP66). Identifiers: Orphanet 791, MedGen C3715216, MONDO:0014093, OMIM 615233.
Retinitis pigmentosa (RP). Identifiers: Orphanet 791, MedGen C0035334, MeSH D012174, MONDO:0019200, OMIM 268000. Inheritance: Autosomal dominant, autosomal recessive and X linked inheritance.

Allele frequency attached by ClinVar (database versions not stated): gnomAD exomes 0.00026 and 0.00009; 1000 Genomes Project 30x 0.00031; gnomAD 0.00008 and 0.00009; TOPMed 0.00009; ExAC 0.00010; ESP Exome Variant Server 0.00015; 1000 Genomes Project 0.00020.
gnomAD v4.1: 377 of 1,612,920 alleles (0.023%); highest among the groups gnomAD compares: Non-Finnish European, 0.031%; 1 homozygote.

Submissions (6):

Blueprint Genetics
Classification: Uncertain significance. Last evaluated: 2024-10-31. Review status: criteria provided, single submitter. Criteria: ACMG Guidelines, 2015. Collection method: clinical testing. Allele origin: germline.

Department of Pathology and Laboratory Medicine, Sinai Health System
Classification: Uncertain significance for Retinitis pigmentosa; Retinitis pigmentosa 66. Last evaluated: 2023-11-09. Review status: criteria provided, single submitter. Criteria: ACMG Guidelines, 2015. Collection method: research. Allele origin: germline.

Labcorp Genetics (formerly Invitae), Labcorp
Classification: Uncertain significance. Last evaluated: 2022-10-13. Review status: criteria provided, single submitter. Criteria: Invitae Variant Classification Sherloc (09022015). Collection method: clinical testing. Allele origin: germline.
Comment: This sequence change replaces alanine, which is neutral and non-polar, with valine, which is neutral and non-polar, at codon 688 of the RBP3 protein (p.Ala688Val). This variant is present in population databases (rs200168559, gnomAD 0.02%). This missense change has been observed in individual(s) with clinical features of an RBP3-related condition (PMID: 19074801). ClinVar contains an entry for this variant (Variation ID: 208313). Algorithms developed to predict the effect of missense changes on protein structure and function are either unavailable or do not agree on the potential impact of this missense change (SIFT: "Deleterious"; PolyPhen-2: "Possibly Damaging"; Align-GVGD: "Class C0"). In summary, the available evidence is currently insufficient to determine the role of this variant in disease. Therefore, it has been classified as a Variant of Uncertain Significance.

CeGaT Center for Human Genetics Tuebingen
Classification: Uncertain significance. Last evaluated: 2020-03-01. Review status: criteria provided, single submitter. Criteria: CeGaT Center For Human Genetics Tuebingen Variant Classification Criteria Version 2. Collection method: clinical testing. Allele origin: germline. Affected: yes. Observed: 1 variant allele.

Illumina Laboratory Services, Illumina
Classification: Uncertain significance for Retinitis pigmentosa. Last evaluated: 2017-04-27. Review status: criteria provided, single submitter. Criteria: ICSL Variant Classification Criteria 13 December 2019. Collection method: clinical testing. Allele origin: germline.
Comment: This variant was observed as part of a predisposition screen in an ostensibly healthy population. A literature search was performed for the gene, cDNA change, and amino acid change (where applicable). Publications were found based on this search. However, the evidence from the literature, in combination with allele frequency data from public databases where available, was not sufficient to rule this variant in or out of causing disease. Therefore, this variant is classified as a variant of unknown significance.

ClinVar Staff, National Center for Biotechnology Information (NCBI)
Classification: Uncertain significance for Retinitis pigmentosa 66. Last evaluated: 2013-06-27. Review status: no assertion criteria provided. Collection method: literature only. Allele origin: germline. Affected: yes. Not counted in ClinVar's aggregate classification.

Literature cited by the submitters: PubMed 19074801 (cited by 3 submitters).

NM_002900.3(RBP3):c.2063C>T (p.Ala688Val)

Gene: RBP3 (retinol binding protein 3; plus strand). Cytogenetic location: 10q11.22.
Variant type: single nucleotide variant.
Coding change: c.2063C>T on transcript NM_002900.3 (MANE Select); coding-DNA position 2063, C replaced by T.
Protein change: p.Ala688Val; replaces alanine 688 with valine.
Molecular consequence: missense variant.
Genome position (GRCh38, 1-based): chr10:47,350,547, C>T. VCF-style: chr10-47350547-C-T. GRCh37 (hg19) VCF-style: chr10-48388815-G-A.
Other names: short protein forms A688V.
Identifiers: ClinVar variation 208313 (VCV000208313.50), dbSNP rs200168559, ClinGen allele CA350973.
Genomic context (GRCh38, chr10:47,350,547, plus strand): 5'-TGGCCCAGGGCGCCTACCGCACAGCTGTGGACTTGGAGTCTCTGGCCTCTCAGCTCACAG[C>T]AGACCTCCAGGAGGTGTCTGGGGACCACCGCTTGCTAGTGTTCCACAGCCCTGGCGAGCT-3'
Protein context (NP_002891.1, residues 678-698): DLESLASQLT[Ala688Val]DLQEVSGDHR